The following is an entry in ClinVar:

ClinVar aggregate classification (germline): Uncertain significance (1 of 4 stars; one submission).

Allele frequency attached by ClinVar (database versions not stated): gnomAD 0.00001; TOPMed 0.00002.
gnomAD v4.1: 1 of 1,206,619 alleles (0.000083%); highest among the groups gnomAD compares: Non-Finnish European, 0.00011%; no homozygotes.

Submission:

Labcorp Genetics (formerly Invitae), Labcorp
Classification: Uncertain significance. Last evaluated: 2023-07-07. Review status: criteria provided, single submitter. Criteria: Invitae Variant Classification Sherloc (09022015). Collection method: clinical testing. Allele origin: germline.
Comment: In summary, the available evidence is currently insufficient to determine the role of this variant in disease. Therefore, it has been classified as a Variant of Uncertain Significance. An algorithm developed to predict the effect of missense changes on protein structure and function (PolyPhen-2) suggests that this variant is likely to be tolerated. This variant has not been reported in the literature in individuals affected with GPR143-related conditions. This variant is not present in population databases (gnomAD no frequency). This sequence change replaces alanine, which is neutral and non-polar, with valine, which is neutral and non-polar, at codon 377 of the GPR143 protein (p.Ala377Val).

NM_000273.3(GPR143):c.1130C>T (p.Ala377Val)

Gene: GPR143 (G protein-coupled receptor 143; minus strand). Cytogenetic location: Xp22.2.
Variant type: single nucleotide variant.
Coding change: c.1130C>T on transcript NM_000273.3 (MANE Select); coding-DNA position 1130, C replaced by T.
Protein change: p.Ala377Val; replaces alanine 377 with valine.
Molecular consequence: missense variant.
Genome position (GRCh38, 1-based): chrX:9,725,831, G>A on the plus strand (C>T on the coding strand, the complement: GPR143 is on the minus strand). VCF-style: chrX-9725831-G-A. GRCh37 (hg19) VCF-style: chrX-9693871-G-A.
Other names: short protein forms A377V.
Identifiers: ClinVar variation 3008138 (VCV003008138.3), dbSNP rs1359127369, ClinGen allele CA411992522.